The following is an entry in ClinVar:

ClinVar aggregate classification (germline): Likely benign (1 of 4 stars; one submission).

gnomAD v4.1: 3 of 1,613,556 alleles (0.00019%); highest among the groups gnomAD compares: Non-Finnish European, 0.00025%; no homozygotes.

Submission:

GeneDx
Classification: Likely benign. Last evaluated: 2018-03-06. Review status: criteria provided, single submitter. Criteria: GeneDx Variant Classification (06012015). Collection method: clinical testing. Allele origin: germline. Affected: yes.
Comment: This variant is considered likely benign or benign based on one or more of the following criteria: it is a conservative change, it occurs at a poorly conserved position in the protein, it is predicted to be benign by multiple in silico algorithms, and/or has population frequency not consistent with disease.

NM_001184.4(ATR):c.2805+12C>G

Gene: ATR (ATR serine/threonine kinase; minus strand). Cytogenetic location: 3q23.
Variant type: single nucleotide variant.
Coding change: c.2805+12C>G on transcript NM_001184.4 (MANE Select); 12 bases into the intron after coding-DNA position 2805, C replaced by G.
Molecular consequence: intron variant.
Genome position (GRCh38, 1-based): chr3:142,553,215, G>C on the plus strand (C>G on the coding strand, the complement: ATR is on the minus strand). VCF-style: chr3-142553215-G-C. GRCh37 (hg19) VCF-style: chr3-142272057-G-C.
Other names: c.2613+12C>G (NM_001354579.2).
Identifiers: ClinVar variation 515997 (VCV000515997.1), dbSNP rs778188323, ClinGen allele CA546894070.